The following is an entry in ClinVar:

GRCh37/hg19 2p25.1(chr2:11959558-11959775)x0

Gene: LPIN1 (lipin 1; plus strand). Cytogenetic location: 2p25.1.
Variant type: copy number loss.
Change: copy number 0 (both copies lost) of chr2:11,959,558-11,959,775 (0.2 kb, GRCh37 coordinates, 1-based), cytogenetic band 2p25.1.
Identifiers: ClinVar variation 3338439 (VCV003338439.1).

ClinVar aggregate classification (germline): Likely pathogenic (0 of 4 stars; one submission).

Conditions:
Myoglobinuria, acute recurrent, autosomal recessive. Also called: MYOGLOBINURIA, FAMILIAL PAROXYSMAL PARALYTIC; RHABDOMYOLYSIS, ACUTE RECURRENT; Myoglobinuria, recurrent, autosomal recessive. Identifiers: Orphanet 99845, MedGen C1849386, MONDO:0009992, OMIM 268200.

Submission:

Solve-RD Consortium
Classification: Likely pathogenic for Myoglobinuria, acute recurrent, autosomal recessive. Last evaluated: 2024-06-01. Review status: no assertion criteria provided. Collection method: provider interpretation. Allele origin: germline. Affected: yes.
Comment: This CNV was confirmed by the submitting clinician to impact a gene that corresponds with the phenotype of the affected individual, and thus deemed to be causative for their condition.

Literature cited by the submitters: PubMed 39825153.